The following is an entry in ClinVar:

NM_004782.4(SNAP29):c.216G>T (p.Lys72Asn)

Gene: SNAP29 (synaptosome associated protein 29; plus strand). Cytogenetic location: 22q11.21.
Variant type: single nucleotide variant.
Coding change: c.216G>T on transcript NM_004782.4 (MANE Select); coding-DNA position 216, G replaced by T.
Protein change: p.Lys72Asn; replaces lysine 72 with asparagine.
Molecular consequence: missense variant.
Genome position (GRCh38, 1-based): chr22:20,859,326, G>T. VCF-style: chr22-20859326-G-T. GRCh37 (hg19) VCF-style: chr22-21213614-G-T.
Other names: short protein forms K72N.
Identifiers: ClinVar variation 3672737 (VCV003672737.2).

ClinVar aggregate classification (germline): Uncertain significance (1 of 4 stars; one submission).

gnomAD v4.1: 6 of 1,613,434 alleles (0.00037%); highest among the groups gnomAD compares: Non-Finnish European, 0.00017%; no homozygotes.

Submission:

Labcorp Genetics (formerly Invitae), Labcorp
Classification: Uncertain significance. Last evaluated: 2024-04-30. Review status: criteria provided, single submitter. Criteria: Invitae Variant Classification Sherloc (09022015). Collection method: clinical testing. Allele origin: germline.
Comment: This sequence change replaces lysine, which is basic and polar, with asparagine, which is neutral and polar, at codon 72 of the SNAP29 protein (p.Lys72Asn). This variant is present in population databases (rs752961634, gnomAD 0.004%). This variant has not been reported in the literature in individuals affected with SNAP29-related conditions. Advanced modeling of protein sequence and biophysical properties (such as structural, functional, and spatial information, amino acid conservation, physicochemical variation, residue mobility, and thermodynamic stability) performed at Invitae indicates that this missense variant is not expected to disrupt SNAP29 protein function with a negative predictive value of 80%. In summary, the available evidence is currently insufficient to determine the role of this variant in disease. Therefore, it has been classified as a Variant of Uncertain Significance.